The following is an entry in ClinVar:

NM_001737.5(C9):c.422C>A (p.Pro141His)

Gene: C9 (complement C9; minus strand). Cytogenetic location: 5p13.1.
Variant type: single nucleotide variant.
Coding change: c.422C>A on transcript NM_001737.5 (MANE Select); coding-DNA position 422, C replaced by A.
Protein change: p.Pro141His; replaces proline 141 with histidine.
Molecular consequence: missense variant.
Genome position (GRCh38, 1-based): chr5:39,341,200, G>T on the plus strand (C>A on the coding strand, the complement: C9 is on the minus strand). VCF-style: chr5-39341200-G-T. GRCh37 (hg19) VCF-style: chr5-39341302-G-T.
Other names: short protein forms P141H.
Identifiers: ClinVar variation 1403149 (VCV001403149.5), dbSNP rs998275622, ClinGen allele CA117187344.

ClinVar aggregate classification (germline): Uncertain significance (1 of 4 stars; one submission).

Allele frequency attached by ClinVar (database versions not stated): TOPMed below 0.00001; gnomAD 0.00001.
gnomAD v4.1: 6 of 1,614,038 alleles (0.00037%); highest among the groups gnomAD compares: African/African-American, 0.0013%; no homozygotes.

Submission:

Labcorp Genetics (formerly Invitae), Labcorp
Classification: Uncertain significance. Last evaluated: 2022-07-11. Review status: criteria provided, single submitter. Criteria: Invitae Variant Classification Sherloc (09022015). Collection method: clinical testing. Allele origin: germline.
Comment: This sequence change replaces proline, which is neutral and non-polar, with histidine, which is basic and polar, at codon 141 of the C9 protein (p.Pro141His). This variant is not present in population databases (gnomAD no frequency). This variant has not been reported in the literature in individuals affected with C9-related conditions. ClinVar contains an entry for this variant (Variation ID: 1403149). Algorithms developed to predict the effect of missense changes on protein structure and function are either unavailable or do not agree on the potential impact of this missense change (SIFT: "Not Available"; PolyPhen-2: "Probably Damaging"; Align-GVGD: "Not Available"). In summary, the available evidence is currently insufficient to determine the role of this variant in disease. Therefore, it has been classified as a Variant of Uncertain Significance.